The following is an entry in ClinVar:

ClinVar aggregate classification (germline): Uncertain significance. Review status: criteria provided, multiple submitters, no conflicts (2 of 4 stars). 2 submissions from 2 submitters: Uncertain significance (2). Last evaluated 2025-04-07.

Conditions:
Neuroblastoma, susceptibility to, 3. Also called: ALK-Related Neuroblastic Tumor Susceptibility. Identifiers: Orphanet 635, MedGen C2751681, MONDO:0013083, OMIM 613014.

Submissions (2):

Labcorp Genetics (formerly Invitae), Labcorp
Classification: Uncertain significance for Neuroblastoma, susceptibility to, 3. Last evaluated: 2025-04-07. Review status: criteria provided, single submitter. Criteria: Invitae Variant Classification Sherloc (09022015). Collection method: clinical testing. Allele origin: germline.
Comment: This sequence change replaces cysteine, which is neutral and slightly polar, with tyrosine, which is neutral and polar, at codon 1235 of the ALK protein (p.Cys1235Tyr). This variant is not present in population databases (gnomAD no frequency). This variant has not been reported in the literature in individuals affected with ALK-related conditions. ClinVar contains an entry for this variant (Variation ID: 1382985). An algorithm developed to predict the effect of missense changes on protein structure and function (PolyPhen-2) suggests that this variant is likely to be disruptive. In summary, the available evidence is currently insufficient to determine the role of this variant in disease. Therefore, it has been classified as a Variant of Uncertain Significance.

GeneDx
Classification: Uncertain significance. Last evaluated: 2023-01-11. Review status: criteria provided, single submitter. Criteria: GeneDx Variant Classification Process June 2021. Collection method: clinical testing. Allele origin: germline. Affected: yes.
Comment: Not observed at significant frequency in large population cohorts (gnomAD); In silico analysis supports that this missense variant has a deleterious effect on protein structure/function; Has not been previously published as pathogenic or benign to our knowledge

NM_004304.5(ALK):c.3704G>A (p.Cys1235Tyr)

Gene: ALK (ALK receptor tyrosine kinase; minus strand). Cytogenetic location: 2p23.2.
Variant type: single nucleotide variant.
Coding change: c.3704G>A on transcript NM_004304.5 (MANE Select); coding-DNA position 3704, G replaced by A.
Protein change: p.Cys1235Tyr; replaces cysteine 1235 with tyrosine.
Molecular consequence: missense variant.
Genome position (GRCh38, 1-based): chr2:29,214,023, C>T on the plus strand (G>A on the coding strand, the complement: ALK is on the minus strand). VCF-style: chr2-29214023-C-T. GRCh37 (hg19) VCF-style: chr2-29436889-C-T.
Other names: c.3704G>A (NM_004304.4); c.500G>A, p.Cys167Tyr (NM_001353765.2); short protein forms C1235Y, C167Y.
Identifiers: ClinVar variation 1382985 (VCV001382985.6), dbSNP rs2148159392, ClinGen allele CA346471372.